The following is an entry in ClinVar:

NM_004982.4(KCNJ8):c.736C>A (p.Leu246Met)

Genes: KCNJ8 (potassium inwardly rectifying channel subfamily J member 8; minus strand), KCNJ8-AS1 (KCNJ8 antisense RNA 1; plus strand). Cytogenetic location: 12p12.1.
Variant type: single nucleotide variant.
Coding change: c.736C>A on transcript NM_004982.4 (MANE Select); coding-DNA position 736, C replaced by A.
Protein change: p.Leu246Met; replaces leucine 246 with methionine.
Molecular consequence: missense variant.
Genome position (GRCh38, 1-based): chr12:21,766,262, G>T on the plus strand (C>A on the coding strand, the complement: KCNJ8 is on the minus strand). VCF-style: chr12-21766262-G-T. GRCh37 (hg19) VCF-style: chr12-21919196-G-T.
Other names: short protein forms L246M.
Identifiers: ClinVar variation 4706096 (VCV004706096.1).

ClinVar aggregate classification (germline): Uncertain significance (1 of 4 stars; one submission).

Conditions:
Brugada syndrome. Also called: Sudden unexplained nocturnal death syndrome; Sudden unexpected nocturnal death syndrome; Sudden Unexplained Death Syndrome; Sudden Unexplained Nocturnal Death Syndrome (SUNDS). Identifiers: Orphanet 130, MedGen C1142166, MONDO:0015263.

Submission:

Labcorp Genetics (formerly Invitae), Labcorp
Classification: Uncertain significance for Brugada syndrome. Last evaluated: 2025-12-20. Review status: criteria provided, single submitter. Criteria: Invitae Variant Classification Sherloc (09022015). Collection method: clinical testing. Allele origin: germline.
Comment: This sequence change replaces leucine, which is neutral and non-polar, with methionine, which is neutral and non-polar, at codon 246 of the KCNJ8 protein (p.Leu246Met). This variant is not present in population databases (gnomAD no frequency). This variant has not been reported in the literature in individuals affected with KCNJ8-related conditions. Invitae Evidence Modeling of protein sequence and biophysical properties (such as structural, functional, and spatial information, amino acid conservation, physicochemical variation, residue mobility, and thermodynamic stability) indicates that this missense variant is not expected to disrupt KCNJ8 protein function with a negative predictive value of 80%. In summary, the available evidence is currently insufficient to determine the role of this variant in disease. Therefore, it has been classified as a Variant of Uncertain Significance.